The following is an entry in ClinVar:

NM_001365276.2(TNXB):c.8463G>T (p.Val2821=)

Gene: TNXB (tenascin XB; minus strand). Cytogenetic location: 6p21.33.
Variant type: single nucleotide variant.
Coding change: c.8463G>T on transcript NM_001365276.2 (MANE Select); coding-DNA position 8463, G replaced by T.
Protein change: p.Val2821=; no amino-acid change (valine 2821 retained).
Molecular consequence: synonymous variant.
Genome position (GRCh38, 1-based): chr6:32,055,855, C>A on the plus strand (G>T on the coding strand, the complement: TNXB is on the minus strand). VCF-style: chr6-32055855-C-A. GRCh37 (hg19) VCF-style: chr6-32023632-C-A.
Other names: p.Val2821=; c.8463G>T, p.Val2821= (NM_019105.8).
Identifiers: ClinVar variation 1763472 (VCV001763472.6), dbSNP rs566861372, ClinGen allele CA3733840.
Genomic context (GRCh38, chr6:32,055,855, plus strand): 5'-AGTTGCAGAGAAAGCAACATCTTCTAGGGCCATCTTCCTCACTCACAAACACTCACCTGT[C>A]ACACCCACGGTGGACACCGGGCCCACACGCCGCCCCTCGTGGAGGCCGTACAGGTGCATC-3'
Protein context (NP_001352205.1, residues 2811-2831): RRVGPVSTVG[Val2821=]TAPEDEAETT

ClinVar aggregate classification (germline): Likely benign. Review status: criteria provided, multiple submitters, no conflicts (2 of 4 stars). 4 submissions from 4 submitters: Likely benign (3). 1 of the submissions does not count toward it. Last evaluated 2026-01-24.

Conditions:
Cardiovascular phenotype. Identifiers: MedGen CN230736.
TNXB-related disorder. Also called: TNXB-related condition.

Allele frequency attached by ClinVar (database versions not stated): gnomAD exomes 0.00001; TOPMed 0.00004; gnomAD 0.00005; ExAC 0.00009; 1000 Genomes Project 0.00020; 1000 Genomes Project 30x 0.00047.

Submissions (4):

Labcorp Genetics (formerly Invitae), Labcorp
Classification: Likely benign. Last evaluated: 2026-01-24. Review status: criteria provided, single submitter. Criteria: Invitae Variant Classification Sherloc (09022015). Collection method: clinical testing. Allele origin: germline.

Mayo Clinic Laboratories, Mayo Clinic
Classification: Likely benign. Last evaluated: 2025-03-18. Review status: criteria provided, single submitter. Criteria: ACMG Guidelines, 2015. Collection method: clinical testing. Allele origin: germline. Observed: 1 variant allele.
Comment: BP4, BP7

Ambry Genetics
Classification: Likely benign for Cardiovascular phenotype. Last evaluated: 2022-08-17. Review status: criteria provided, single submitter. Criteria: Ambry Variant Classification Scheme 2023. Collection method: clinical testing. Allele origin: germline.

PreventionGenetics, part of Exact Sciences
Classification: Likely benign for TNXB-related condition. Last evaluated: 2021-10-27. Review status: no assertion criteria provided. Collection method: clinical testing. Allele origin: germline. Not counted in ClinVar's aggregate classification.
Comment: This variant is classified as likely benign based on ACMG/AMP sequence variant interpretation guidelines (Richards et al. 2015 PMID: 25741868, with internal and published modifications).